The following is an entry in ClinVar:

ClinVar aggregate classification (germline): Uncertain significance (1 of 4 stars; one submission).

gnomAD v4.1: 27 of 1,589,018 alleles (0.0017%); highest among the groups gnomAD compares: African/African-American, 0.0055%; 1 homozygote.

Submission:

Labcorp Genetics (formerly Invitae), Labcorp
Classification: Uncertain significance. Last evaluated: 2022-04-25. Review status: criteria provided, single submitter. Criteria: Invitae Variant Classification Sherloc (09022015). Collection method: clinical testing. Allele origin: germline.
Comment: In summary, the available evidence is currently insufficient to determine the role of this variant in disease. Therefore, it has been classified as a Variant of Uncertain Significance. Algorithms developed to predict the effect of missense changes on protein structure and function are either unavailable or do not agree on the potential impact of this missense change (SIFT: "Deleterious"; PolyPhen-2: "Not Available"; Align-GVGD: "Class C0"). This variant has not been reported in the literature in individuals affected with DSCAML1-related conditions. This variant is present in population databases (rs767847964, gnomAD 0.01%). This sequence change replaces arginine, which is basic and polar, with proline, which is neutral and non-polar, at codon 38 of the DSCAML1 protein (p.Arg38Pro).

NM_020693.4(DSCAML1):c.-68G>C

Gene: DSCAML1 (DS cell adhesion molecule like 1; minus strand). Cytogenetic location: 11q23.3.
Variant type: single nucleotide variant.
Coding change: c.-68G>C on transcript NM_020693.4 (MANE Select); 68 bases upstream of the start codon, G replaced by C.
Molecular consequence: 5 prime UTR variant. On other transcripts: intron variant (1).
Genome position (GRCh38, 1-based): chr11:117,797,147, C>G on the plus strand (G>C on the coding strand, the complement: DSCAML1 is on the minus strand). VCF-style: chr11-117797147-C-G. GRCh37 (hg19) VCF-style: chr11-117667862-C-G.
Other names: c.-68G>C (NM_001367904.1); c.-362-16337G>C (NM_001367905.1).
Identifiers: ClinVar variation 1911174 (VCV001911174.5), dbSNP rs767847964, ClinGen allele CA6297700.